The following is an entry in ClinVar:

ClinVar aggregate classification (germline): Pathogenic/Likely pathogenic. Review status: criteria provided, multiple submitters, no conflicts (2 of 4 stars). 7 submissions from 7 submitters: Pathogenic (4); Likely pathogenic (3). Last evaluated 2026-01-18.

Conditions:
Congenital myasthenic syndrome (CMS). Also called: Congenital Myasthenic Syndromes. Identifiers: Orphanet 590, MedGen C0751882, MeSH D020294, MONDO:0018940.
Familial infantile myasthenia (CMS6). Also called: Congenital myasthenic syndrome type 6; MYASTHENIC SYNDROME, PRESYNAPTIC, CONGENITAL, ASSOCIATED WITH EPISODIC APNEA; MYASTHENIC SYNDROME, CONGENITAL, 6, PRESYNAPTIC. Identifiers: Orphanet 590, MedGen C0393929, MONDO:0009689, OMIM 254210.

Allele frequency attached by ClinVar (database versions not stated): ExAC 0.00007; ESP Exome Variant Server 0.00015; 1000 Genomes Project 30x 0.00016; TOPMed 0.00017; 1000 Genomes Project 0.00020; gnomAD 0.00045.
gnomAD v4.1: 86 of 1,613,622 alleles (0.0053%); highest among the groups gnomAD compares: African/African-American, 0.11%; no homozygotes.

Submissions (7):

Labcorp Genetics (formerly Invitae), Labcorp
Classification: Pathogenic for Familial infantile myasthenia. Last evaluated: 2026-01-18. Review status: criteria provided, single submitter. Criteria: Invitae Variant Classification Sherloc (09022015). Collection method: clinical testing. Allele origin: germline.
Comment: This sequence change replaces methionine, which is neutral and non-polar, with arginine, which is basic and polar, at codon 202 of the CHAT protein (p.Met202Arg). This variant is present in population databases (rs376808313, gnomAD 0.1%). This missense change has been observed in individual(s) with congenital myasthenic syndrome (PMID: 21786365; internal data). In at least one individual the data is consistent with being in trans (on the opposite chromosome) from a pathogenic variant. ClinVar contains an entry for this variant (Variation ID: 430062). Invitae Evidence Modeling of protein sequence and biophysical properties (such as structural, functional, and spatial information, amino acid conservation, physicochemical variation, residue mobility, and thermodynamic stability) has been performed for this missense variant. However, the output from this modeling did not meet the statistical confidence thresholds required to predict the impact of this variant on CHAT protein function. Experimental studies have shown that this missense change affects CHAT function (PMID: 21786365). For these reasons, this variant has been classified as Pathogenic.

Women's Health and Genetics/Laboratory Corporation of America, LabCorp
Classification: Pathogenic for Congenital myasthenic syndrome. Last evaluated: 2025-05-23. Review status: criteria provided, single submitter. Criteria: LabCorp Variant Classification Summary - May 2015. Collection method: clinical testing. Allele origin: germline.
Comment: Variant summary: CHAT c.605T>G (p.Met202Arg) results in a non-conservative amino acid change located in the Choline/carnitine acyltransferase domain of the encoded protein sequence. Algorithms developed to predict the effect of missense changes on protein structure and function all suggest that this variant is likely to be disruptive. The variant allele was found at a frequency of 6e-05 in 251406 control chromosomes. This frequency is not significantly higher than estimated for a pathogenic variant in CHAT causing Congenital Myasthenic Syndrome (6e-05 vs 0.00079), allowing no conclusion about variant significance. c.605T>G has been observed in compound heterozygous or homozygous state in individuals affected with Congenital Myasthenic Syndrome (Shen_2011, Laquerriere_2022). These data indicate that the variant is very likely to be associated with disease. At least one publication reports experimental evidence evaluating an impact on protein function. The most pronounced variant effect results in <10% of normal activity (Shen_2011). The following publications have been ascertained in the context of this evaluation (PMID: 33820833, 21786365). ClinVar contains an entry for this variant (Variation ID: 430062). Based on the evidence outlined above, the variant was classified as pathogenic.

3billion
Classification: Pathogenic for Familial infantile myasthenia. Last evaluated: 2024-07-30. Review status: criteria provided, single submitter. Criteria: ACMG Guidelines, 2015. Collection method: clinical testing. Allele origin: germline. Affected: yes.
Comment: The variant is observed at an extremely low frequency in the gnomAD v4.0.0 dataset (total allele frequency: 0.005%). Functional studies provide strong evidence of the variant having a damaging effect on the gene or gene product (PMID: 21786365, 21786365). In silico tool predictions suggest damaging effect of the variant on gene or gene product [REVEL: 0.94 (>=0.6, sensitivity 0.68 and specificity 0.92); 3Cnet: 0.92 (>=0.6, sensitivity 0.72 and precision 0.9)]. The same nucleotide change resulting in the same amino acid change has been previously reported as pathogenic/likely pathogenic with strong evidence (ClinVar ID: VCV000430062 / PMID: 21786365). The variant has been reported to be in trans with a pathogenic variant as either compound heterozygous or homozygous in at least one similarly affected unrelated individual (PMID: 21786365, 33820833). Therefore, this variant is classified as pathogenic according to the recommendation of ACMG/AMP guideline.

Fulgent Genetics
Classification: Likely pathogenic for Familial infantile myasthenia. Last evaluated: 2024-04-01. Review status: criteria provided, single submitter. Criteria: ACMG Guidelines, 2015. Collection method: clinical testing. Allele origin: germline.

Baylor Genetics
Classification: Likely pathogenic for Familial infantile myasthenia. Last evaluated: 2024-02-20. Review status: criteria provided, single submitter. Criteria: ACMG Guidelines, 2015. Collection method: clinical testing. Allele origin: unknown.

Genetics and Molecular Pathology, SA Pathology
Classification: Likely pathogenic for Familial infantile myasthenia. Last evaluated: 2023-01-17. Review status: criteria provided, single submitter. Criteria: ACMG Guidelines, 2015. Collection method: clinical testing. Allele origin: germline. Inheritance: Autosomal recessive inheritance. Affected: yes.
Comment: The CHAT c.605T>G variant is classified as a LIKELY PATHOGENIC (PM2, PS3_supporting, PS4_supporting, PM1_supporting, PP3) This variant is a single nucleotide change in exon 4/15 of the CHAT gene, which is predicted to change the amino acid methionine at position 202 in the protein to arginine. The variant is located in the active site tunnel of the protein domain of the CHAT gene, causing severe kinetic effects (PMID: 21786365) (PM1_supporting). The variant has been reported in multiple individuals with congenital myasthenic syndrome in both homozygous or compound heterozygous state (PMID: 21786365, 33820833) (PS4_supporting). Functional studies have demonstrated that this variant had a severe kinetic effects on the CHAT protein, significantly reducing its catalytic efficiency (PMID: 21786365) (PS3_supporting). The variant is in dbSNP (rs376808313) but has been reported in population databases at a low frequency for an autosomal recessive disease gene (gnomAD (43/152094, 0 homozygotes) (PM2). The vriant has been reported in ClinVar (Variation ID: #430062) and HGMD (Accession no.: CM119376) as pathogenic/likely pathogenic or disease causing. Computational predictions support deleterious effect on the gene or gene product (PP3).

GeneDx
Classification: Pathogenic. Last evaluated: 2021-11-12. Review status: criteria provided, single submitter. Criteria: GeneDx Variant Classification Process June 2021. Collection method: clinical testing. Allele origin: germline. Affected: yes.
Comment: Published functional studies demonstrate severe kinetic effects on the CHAT protein, significantly reducing its catalytic efficiency (Shen et al., 2011); In silico analysis supports that this missense variant has a deleterious effect on protein structure/function; This variant is associated with the following publications: (PMID: 25792100, 26080897, 32019516, 21786365)

Literature cited by the submitters: PubMed 21786365 (cited by 3 submitters); PubMed 33820833 (cited by Women's Health and Genetics/Laboratory Corporation of America, LabCorp and Genetics and Molecular Pathology, SA Pathology).

NM_020549.5(CHAT):c.605T>G (p.Met202Arg)

Gene: CHAT (choline O-acetyltransferase; plus strand). Cytogenetic location: 10q11.23.
Variant type: single nucleotide variant.
Coding change: c.605T>G on transcript NM_020549.5 (MANE Select); coding-DNA position 605, T replaced by G.
Protein change: p.Met202Arg; replaces methionine 202 with arginine.
Molecular consequence: missense variant.
Genome position (GRCh38, 1-based): chr10:49,620,520, T>G. VCF-style: chr10-49620520-T-G. GRCh37 (hg19) VCF-style: chr10-50828566-T-G.
Other names: c.251T>G, p.Met84Arg (NM_001142929.2, NM_001142934.2, NM_020984.4 and 2 more transcripts); c.359T>G, p.Met120Arg (NM_001142933.2); short protein forms M202R, M84R, M120R.
Identifiers: ClinVar variation 430062 (VCV000430062.20), dbSNP rs376808313, ClinGen allele CA5497200.